The following is an entry in ClinVar:

ClinVar aggregate classification (germline): Conflicting classifications of pathogenicity. Review status: criteria provided, conflicting classifications (1 of 4 stars). 3 submissions from 3 submitters: Uncertain significance (2); Likely benign (1). Last evaluated 2024-07-16.

Conditions:
Autosomal dominant hypocalcemia 1 (HYPOC1). Also called: HYPOCALCEMIA, FAMILIAL. Identifiers: MedGen C3715128, MONDO:0011013, OMIM 601198.
Familial hypocalciuric hypercalcemia (FHH). Also called: Familial benign hypercalcemia. Identifiers: Orphanet 405, MedGen C1809471, MONDO:0018458.
Nephrolithiasis/nephrocalcinosis. Identifiers: MedGen CN580796.

Allele frequency attached by ClinVar (database versions not stated): gnomAD exomes below 0.00001.

Submissions (3):

Women's Health and Genetics/Laboratory Corporation of America, LabCorp
Classification: Uncertain significance. Last evaluated: 2024-07-16. Review status: criteria provided, single submitter. Criteria: LabCorp Variant Classification Summary - May 2015. Collection method: clinical testing. Allele origin: germline.
Comment: Variant summary: CASR c.776T>C (p.Ile259Thr) results in a non-conservative amino acid change in the encoded protein sequence. Five of five in-silico tools predict a damaging effect of the variant on protein function. The variant allele was found at a frequency of 4e-06 in 251374 control chromosomes. The available data on variant occurrences in the general population are insufficient to allow any conclusion about variant significance. To our knowledge, no occurrence of c.776T>C in individuals affected with Autosomal Dominant Hypocalcemia and no experimental evidence demonstrating its impact on protein function have been reported. ClinVar contains an entry for this variant (Variation ID: 1008349). Based on the evidence outlined above, the variant was classified as uncertain significance.

Labcorp Genetics (formerly Invitae), Labcorp
Classification: Likely benign for Familial hypocalciuric hypercalcemia; Autosomal dominant hypocalcemia 1. Last evaluated: 2023-08-04. Review status: criteria provided, single submitter. Criteria: Invitae Variant Classification Sherloc (09022015). Collection method: clinical testing. Allele origin: germline.

Ambry Genetics
Classification: Uncertain significance for Nephrolithiasis/nephrocalcinosis. Last evaluated: 2021-11-22. Review status: criteria provided, single submitter. Criteria: Ambry Variant Classification Scheme 2023. Collection method: clinical testing. Allele origin: germline.
Comment: The p.I259T variant (also known as c.776T>C), located in coding exon 3 of the CASR gene, results from a T to C substitution at nucleotide position 776. The isoleucine at codon 259 is replaced by threonine, an amino acid with similar properties. This amino acid position is conserved. In addition, this alteration is predicted to be deleterious by in silico analysis. Since supporting evidence is limited at this time, the clinical significance of this alteration remains unclear.

NM_000388.4(CASR):c.776T>C (p.Ile259Thr)

Gene: CASR (calcium sensing receptor; plus strand). Cytogenetic location: 3q21.1.
Variant type: single nucleotide variant.
Coding change: c.776T>C on transcript NM_000388.4 (MANE Select); coding-DNA position 776, T replaced by C.
Protein change: p.Ile259Thr; replaces isoleucine 259 with threonine.
Molecular consequence: missense variant.
Genome position (GRCh38, 1-based): chr3:122,261,811, T>C. VCF-style: chr3-122261811-T-C. GRCh37 (hg19) VCF-style: chr3-121980658-T-C.
Other names: c.776T>C, p.Ile259Thr (NM_001178065.2); short protein forms I259T.
Identifiers: ClinVar variation 1008349 (VCV001008349.10), dbSNP rs1200068518, ClinGen allele CA354151331.
Genomic context (GRCh38, chr3:122,261,811, plus strand): 5'-TCAGTGAACTCATCTCCCAGTACTCTGATGAGGAAGAGATCCAGCATGTGGTAGAGGTGA[T>C]TCAAAATTCCACGGCCAAAGTCATCGTGGTTTTCTCCAGTGGCCCAGATCTTGAGCCCCT-3'
Protein context (NP_000379.3, residues 249-269): EEEIQHVVEV[Ile259Thr]QNSTAKVIVV